The following is an entry in ClinVar:

ClinVar aggregate classification (germline): Uncertain significance (1 of 4 stars; one submission).

Conditions:
Joubert syndrome 23 (JBTS23). Identifiers: Orphanet 475, MedGen C4084822, MONDO:0014664, OMIM 616490.
Short-rib thoracic dysplasia 14 with polydactyly (SRTD14). Identifiers: Orphanet 397715, MedGen C4225286, MONDO:0014688, OMIM 616546.

Allele frequency attached by ClinVar (database versions not stated): TOPMed below 0.00001.
gnomAD v4.1: 6 of 1,534,916 alleles (0.00039%); highest among the groups gnomAD compares: African/African-American, 0.0014%; no homozygotes.

Submission:

Labcorp Genetics (formerly Invitae), Labcorp
Classification: Uncertain significance for Joubert syndrome 23; Short-rib thoracic dysplasia 14 with polydactyly. Last evaluated: 2022-07-05. Review status: criteria provided, single submitter. Criteria: Invitae Variant Classification Sherloc (09022015). Collection method: clinical testing. Allele origin: germline.
Comment: In summary, the available evidence is currently insufficient to determine the role of this variant in disease. Therefore, it has been classified as a Variant of Uncertain Significance. Algorithms developed to predict the effect of missense changes on protein structure and function output the following: SIFT: "Tolerated"; PolyPhen-2: "Benign"; Align-GVGD: "Class C0". The arginine amino acid residue is found in multiple mammalian species, which suggests that this missense change does not adversely affect protein function. ClinVar contains an entry for this variant (Variation ID: 1428268). This variant has not been reported in the literature in individuals affected with KIAA0586-related conditions. This variant is not present in population databases (gnomAD no frequency). This sequence change replaces histidine, which is basic and polar, with arginine, which is basic and polar, at codon 653 of the KIAA0586 protein (p.His653Arg).

NM_001329943.3(KIAA0586):c.1799A>G (p.His600Arg)

Gene: KIAA0586 (KIAA0586; plus strand). Cytogenetic location: 14q23.1.
Variant type: single nucleotide variant.
Coding change: c.1799A>G on transcript NM_001329943.3 (MANE Select); coding-DNA position 1799, A replaced by G.
Protein change: p.His600Arg; replaces histidine 600 with arginine.
Molecular consequence: missense variant. On other transcripts: intron variant (1).
Genome position (GRCh38, 1-based): chr14:58,459,985, A>G. VCF-style: chr14-58459985-A-G. GRCh37 (hg19) VCF-style: chr14-58926703-A-G.
Other names: c.1958A>G, p.His653Arg (NM_001244189.2); c.1754A>G, p.His585Arg (NM_001244190.2); c.1544A>G, p.His515Arg (NM_001244191.2, NM_001329945.2, NM_001364700.1 and 1 more transcripts); c.1667A>G, p.His556Arg (NM_001244192.2); c.1379A>G, p.His460Arg (NM_001244193.2); c.1799A>G, p.His600Arg (NM_001329944.2, NM_001329946.2, NM_001329947.2); c.1657-1001A>G (NM_014749.5); short protein forms H460R, H600R, H653R, H515R, H556R, H585R.
Identifiers: ClinVar variation 1428268 (VCV001428268.8), dbSNP rs780461594, ClinGen allele CA389871232.